The following is an entry in ClinVar:

ClinVar aggregate classification (germline): Uncertain significance (1 of 4 stars; one submission).

Submission:

Labcorp Genetics (formerly Invitae), Labcorp
Classification: Uncertain significance. Last evaluated: 2022-03-14. Review status: criteria provided, single submitter. Criteria: Invitae Variant Classification Sherloc (09022015). Collection method: clinical testing. Allele origin: germline.
Comment: Advanced modeling of protein sequence and biophysical properties (such as structural, functional, and spatial information, amino acid conservation, physicochemical variation, residue mobility, and thermodynamic stability) performed at Invitae indicates that this missense variant is not expected to disrupt COL9A2 protein function. This variant has not been reported in the literature in individuals affected with COL9A2-related conditions. This variant is not present in population databases (gnomAD no frequency). This sequence change replaces lysine, which is basic and polar, with arginine, which is basic and polar, at codon 308 of the COL9A2 protein (p.Lys308Arg). In summary, the available evidence is currently insufficient to determine the role of this variant in disease. Therefore, it has been classified as a Variant of Uncertain Significance.

NM_001852.4(COL9A2):c.923A>G (p.Lys308Arg)

Gene: COL9A2 (collagen type IX alpha 2 chain; minus strand). Cytogenetic location: 1p34.2.
Variant type: single nucleotide variant.
Coding change: c.923A>G on transcript NM_001852.4 (MANE Select); coding-DNA position 923, A replaced by G.
Protein change: p.Lys308Arg; replaces lysine 308 with arginine.
Molecular consequence: missense variant.
Genome position (GRCh38, 1-based): chr1:40,307,734, T>C on the plus strand (A>G on the coding strand, the complement: COL9A2 is on the minus strand). VCF-style: chr1-40307734-T-C. GRCh37 (hg19) VCF-style: chr1-40773406-T-C.
Other names: short protein forms K308R.
Identifiers: ClinVar variation 2111659 (VCV002111659.4), dbSNP rs2522525256, ClinGen allele CA339852657.